The following is an entry in ClinVar:

NM_013296.5(GPSM2):c.557+3_557+6del

Gene: GPSM2 (G protein signaling modulator 2; plus strand). Cytogenetic location: 1p13.3.
Variant type: Microsatellite.
Coding change: c.557+3_557+6del on transcript NM_013296.5 (MANE Select); bases 3 to 6 of the intron after coding-DNA position 557, 4 bases deleted (GAGT; older notation c.557+3_557+6delGAGT).
Molecular consequence: splice donor variant.
Genome position (GRCh38, 1-based): chr1:108,898,104-108,898,107, GAGT deleted; deleting any 4 consecutive bases within chr1:108,898,099-108,898,107 gives the same sequence; the c. name uses the placement nearest the transcript's 3' end. VCF-style (leftmost placement, unchanged base first): chr1-108898098-ATGAG-A. GRCh37 (hg19) VCF-style: chr1-109440720-ATGAG-A.
Other names: c.557+3_557+6del (NM_001321038.2, NM_001321039.3).
Identifiers: ClinVar variation 4879347 (VCV004879347.1).

ClinVar aggregate classification (germline): Uncertain significance (1 of 4 stars; one submission).

Conditions:
Chudley-McCullough syndrome (CMCS). Also called: DEAFNESS, SENSORINEURAL, WITH PARTIAL AGENESIS OF THE CORPUS CALLOSUM AND ARACHNOID CYSTS; Deafness, autosomal recessive 82. Identifiers: Orphanet 314597, MedGen C1858695, MONDO:0011411, OMIM 604213.

Submission:

Department of Genomics and Clinical Genetics, IRCCS Istituto Giannina Gaslini
Classification: Uncertain significance for Chudley-McCullough syndrome. Review status: criteria provided, single submitter. Criteria: ACMG Guidelines, 2015. Collection method: clinical testing. Allele origin: germline. Inheritance: Autosomal recessive inheritance. Affected: yes. Observed: 1 variant allele, 1 compound heterozygote.
Comment: According to ACMG guidelines (Richards et al, 2015 - PMID: 25741868), it is classified as a variant of uncertain significance; however, multiple in silico tools support a splice-disruptive effect, including a CADD PHRED score of 33 , SpliceAI donor loss delta score of 0.99 , Pangolin splice loss score of 0.89 , and a deleterious prediction by MutationTaster .